The following is an entry in ClinVar:

ClinVar aggregate classification (germline): Uncertain significance (1 of 4 stars; one submission).

Conditions:
CFB-related disorder. Also called: CFB-related condition; CFB-related disorders.

gnomAD v4.1: 1 of 1,614,104 alleles (0.000062%); highest among the groups gnomAD compares: Admixed American, 0.0017%; no homozygotes.

Submission:

PreventionGenetics, part of Exact Sciences
Classification: Uncertain significance for CFB-related condition. Last evaluated: 2025-11-13. Review status: criteria provided, single submitter. Criteria: ACMG Guidelines, 2015. Collection method: clinical testing. Allele origin: germline.
Comment: The CFB c.863G>T variant is predicted to result in the amino acid substitution p.Gly288Val. To our knowledge, this variant has not been reported in the literature. This variant is reported in 0.0029% of alleles in individuals of Latino descent in gnomAD. At this time, the clinical significance of this variant is uncertain due to the absence of conclusive functional and genetic evidence.

NM_001710.6(CFB):c.863G>T (p.Gly288Val)

Gene: CFB (complement factor B; plus strand). Cytogenetic location: 6p21.33.
Variant type: single nucleotide variant.
Coding change: c.863G>T on transcript NM_001710.6 (MANE Select); coding-DNA position 863, G replaced by T.
Protein change: p.Gly288Val; replaces glycine 288 with valine.
Molecular consequence: missense variant.
Genome position (GRCh38, 1-based): chr6:31,948,047, G>T. VCF-style: chr6-31948047-G-T. GRCh37 (hg19) VCF-style: chr6-31915824-G-T.
Other names: short protein forms G288V.
Identifiers: ClinVar variation 4992964 (VCV004992964.1).